The following is an entry in ClinVar:

NM_001267550.2(TTN):c.11311+3014A>T

Gene: TTN (titin; minus strand). Cytogenetic location: 2q31.2.
Variant type: single nucleotide variant.
Coding change: c.11311+3014A>T on transcript NM_001267550.2 (MANE Select); 3014 bases into the intron after coding-DNA position 11311, A replaced by T.
Molecular consequence: intron variant. On other transcripts: missense variant (1).
Genome position (GRCh38, 1-based): chr2:178,750,110, T>A on the plus strand (A>T on the coding strand, the complement: TTN is on the minus strand). VCF-style: chr2-178750110-T-A. GRCh37 (hg19) VCF-style: chr2-179614837-T-A.
Other names: c.12290A>T, p.Glu4097Val (NM_133379.5); c.10222+3014A>T (NM_003319.4); c.10798+3014A>T (NM_133437.4); c.10597+3014A>T (NM_133432.3); c.10360+3014A>T (NM_133378.4, NM_001256850.1); short protein forms E4097V.
Identifiers: ClinVar variation 4980143 (VCV004980143.1).

ClinVar aggregate classification (germline): Uncertain significance (1 of 4 stars; one submission).

Conditions:
TTN-related disorder. Also called: TTN-related disorders; TTN-related condition; TTN-related disease.

gnomAD v4.1: 30 of 1,613,044 alleles (0.0019%); highest among the groups gnomAD compares: Non-Finnish European, 0.0025%; no homozygotes.

Submission:

PreventionGenetics, part of Exact Sciences
Classification: Uncertain significance for TTN-related condition. Last evaluated: 2025-08-11. Review status: criteria provided, single submitter. Criteria: ACMG Guidelines, 2015. Collection method: clinical testing. Allele origin: germline.
Comment: The TTN c.12290A>T variant is predicted to result in the amino acid substitution p.Glu4097Val. To our knowledge, this variant has not been reported in the literature. This variant is reported in 0.0035% of alleles in individuals of European (Non-Finnish) descent in gnomAD. At this time, the clinical significance of this variant is uncertain due to the absence of conclusive functional and genetic evidence.